The following is an entry in ClinVar:

NC_000011.10:g.8038877G>A

Gene: TUB (TUB bipartite transcription factor; plus strand). Cytogenetic location: 11p15.4.
Variant type: single nucleotide variant.
Molecular consequence: intron variant (on NM_001440542.1). On other transcripts: missense variant (1).
Genome position: GRCh38 VCF-style: chr11-8038877-G-A. GRCh37 (hg19) VCF-style: chr11-8060424-G-A.
Other names: c.56+19519G>A (NM_001440542.1, NM_001440538.1, NM_001440539.1 and 1 more transcripts); c.4G>A, p.Gly2Arg (NM_003320.5); short protein forms G2R.
Identifiers: ClinVar variation 1474929 (VCV001474929.9), dbSNP rs777880271, ClinGen allele CA5870793.

ClinVar aggregate classification (germline): Uncertain significance. Review status: criteria provided, multiple submitters, no conflicts (2 of 4 stars). 2 submissions from 2 submitters: Uncertain significance (2). Last evaluated 2023-11-06.

Allele frequency attached by ClinVar (database versions not stated): gnomAD 0.00001; gnomAD exomes 0.00001 and 0.00002; ExAC 0.00002; TOPMed 0.00001.

Submissions (2):

Blueprint Genetics
Classification: Uncertain significance. Last evaluated: 2023-11-06. Review status: criteria provided, single submitter. Criteria: ACMG Guidelines, 2015. Collection method: clinical testing. Allele origin: germline.

Labcorp Genetics (formerly Invitae), Labcorp
Classification: Uncertain significance. Last evaluated: 2021-06-24. Review status: criteria provided, single submitter. Criteria: Invitae Variant Classification Sherloc (09022015). Collection method: clinical testing. Allele origin: germline.
Comment: In summary, the available evidence is currently insufficient to determine the role of this variant in disease. Therefore, it has been classified as a Variant of Uncertain Significance. Algorithms developed to predict the effect of missense changes on protein structure and function (SIFT, PolyPhen-2, Align-GVGD) all suggest that this variant is likely to be tolerated, but these predictions have not been confirmed by published functional studies and their clinical significance is uncertain. This variant has not been reported in the literature in individuals with TUB-related conditions. This variant is present in population databases (rs777880271, ExAC 0.003%). This sequence change replaces glycine with arginine at codon 2 of the TUB protein (p.Gly2Arg). The glycine residue is weakly conserved and there is a moderate physicochemical difference between glycine and arginine.